The following is an entry in ClinVar:

NM_206926.2(SELENON):c.302-174G>A

Gene: SELENON (selenoprotein N; plus strand). Cytogenetic location: 1p36.11.
Variant type: single nucleotide variant.
Coding change: c.302-174G>A on transcript NM_206926.2 (MANE Select); 174 bases into the intron before coding-DNA position 302, G replaced by A.
Molecular consequence: intron variant.
Genome position (GRCh38, 1-based): chr1:25,804,968, G>A. VCF-style: chr1-25804968-G-A. GRCh37 (hg19) VCF-style: chr1-26131459-G-A.
Other names: c.404-174G>A (NM_020451.3).
Identifiers: ClinVar variation 669829 (VCV000669829.1), dbSNP rs11247735, ClinGen allele CA10802532.

ClinVar aggregate classification (germline): Benign (1 of 4 stars; one submission).

Allele frequency attached by ClinVar (database versions not stated): gnomAD 0.50004 and 0.50823; 1000 Genomes Project 30x 0.56949; TOPMed 0.51400; 1000 Genomes Project 0.57628.
gnomAD v4.1: 77,205 of 151,838 alleles (51%); highest among the groups gnomAD compares: South Asian, 68%; 19,905 homozygotes.

Submission:

GeneDx
Classification: Benign. Last evaluated: 2018-06-14. Review status: criteria provided, single submitter. Criteria: GeneDx Variant Classification (06012015). Collection method: clinical testing. Allele origin: germline. Affected: yes.
Comment: This variant is considered likely benign or benign based on one or more of the following criteria: it is a conservative change, it occurs at a poorly conserved position in the protein, it is predicted to be benign by multiple in silico algorithms, and/or has population frequency not consistent with disease.